The following is an entry in ClinVar:

NM_152564.5(VPS13B):c.5020G>T (p.Gly1674Ter)

Gene: VPS13B (vacuolar protein sorting 13 homolog B; plus strand). Cytogenetic location: 8q22.2.
Variant type: single nucleotide variant.
Coding change: c.5020G>T on transcript NM_152564.5 (MANE Select); coding-DNA position 5020, G replaced by T.
Protein change: p.Gly1674Ter; replaces glycine 1674 with a stop codon.
Molecular consequence: nonsense.
Genome position (GRCh38, 1-based): chr8:99,575,728, G>T. VCF-style: chr8-99575728-G-T. GRCh37 (hg19) VCF-style: chr8-100587956-G-T.
Other names: c.5095G>T, p.Gly1699Ter (NM_017890.5); short protein forms G1674*, G1699*.
Identifiers: ClinVar variation 5015721 (VCV005015721.1).

ClinVar aggregate classification (germline): Pathogenic (1 of 4 stars; one submission).

Conditions:
Cohen syndrome (COH1). Also called: Cutis verticis gyrata, retinitis pigmentosa, and sensorineural deafness; PEPPER SYNDROME. Identifiers: Orphanet 193, MedGen C0265223, MONDO:0008999, OMIM 216550.

Submission:

Myriad Genetics, Inc.
Classification: Pathogenic for Cohen syndrome. Last evaluated: 2026-03-24. Review status: criteria provided, single submitter. Criteria: Myriad Autosomal Dominant, Autosomal Recessive and X-Linked Classification Criteria (2023). Collection method: clinical testing. Allele origin: unknown.
Comment: NM_017890.4(VPS13B):c.5095G>T(G1699*) is expected to be pathogenic in the context of Cohen syndrome. This variant is predicted to lead to an abnormal or absent protein product due to the creation of a premature termination codon in VPS13B, a gene where loss-of-function variants are known to be pathogenic. Please note: this variant was assessed in the context of healthy population screening.